The following is an entry in ClinVar:

ClinVar aggregate classification (germline): Uncertain significance (1 of 4 stars; one submission).

Allele frequency attached by ClinVar (database versions not stated): gnomAD exomes below 0.00001.
gnomAD v4.1: 2 of 1,582,808 alleles (0.00013%); highest among the groups gnomAD compares: Admixed American, 0.0018%; no homozygotes.

Submission:

GeneDx
Classification: Uncertain significance. Last evaluated: 2023-03-02. Review status: criteria provided, single submitter. Criteria: GeneDx Variant Classification Process June 2021. Collection method: clinical testing. Allele origin: germline. Affected: yes.
Comment: Not observed at significant frequency in large population cohorts (gnomAD); In silico analysis supports that this missense variant does not alter protein structure/function; Has not been previously published as pathogenic or benign to our knowledge

NM_020719.3(PRR12):c.1213A>G (p.Arg405Gly)

Gene: PRR12 (proline rich 12; plus strand). Cytogenetic location: 19q13.33.
Variant type: single nucleotide variant.
Coding change: c.1213A>G on transcript NM_020719.3 (MANE Select); coding-DNA position 1213, A replaced by G.
Protein change: p.Arg405Gly; replaces arginine 405 with glycine.
Molecular consequence: missense variant.
Genome position (GRCh38, 1-based): chr19:49,595,548, A>G. VCF-style: chr19-49595548-A-G. GRCh37 (hg19) VCF-style: chr19-50098805-A-G.
Other names: short protein forms R405G.
Identifiers: ClinVar variation 2578172 (VCV002578172.1), dbSNP rs2514270728, ClinGen allele CA406861409.